The following is an entry in ClinVar:

NM_001754.5(RUNX1):c.968-3C>A

Gene: RUNX1 (RUNX family transcription factor 1; minus strand). Cytogenetic location: 21q22.12.
Variant type: single nucleotide variant.
Coding change: c.968-3C>A on transcript NM_001754.5 (MANE Select); 3 bases into the intron before coding-DNA position 968, C replaced by A.
Molecular consequence: intron variant.
Genome position (GRCh38, 1-based): chr21:34,792,613, G>T on the plus strand (C>A on the coding strand, the complement: RUNX1 is on the minus strand). VCF-style: chr21-34792613-G-T. GRCh37 (hg19) VCF-style: chr21-36164910-G-T.
Other names: c.887-3C>A (NM_001001890.3).
Identifiers: ClinVar variation 2805569 (VCV002805569.5), dbSNP rs2145878614, ClinGen allele CA2654377535.
Genomic context (GRCh38, chr21:34,792,613, plus strand): 5'-ATGGAGGGCAGCGCGGGGAACTGGCGCGGGTCGCTGAACGCTGTCAGGTCGGGTGCCGCT[G>T]CAGGGCGGGCAAGAGAACGGAGCGGAAGTGAGTAGGAGGTTGCGGAGGCCACAGCTCTTC-3'

ClinVar aggregate classification (germline): Uncertain significance. Review status: reviewed by expert panel (3 of 4 stars). 2 submissions from 2 submitters: Uncertain significance (1). 1 of the submissions does not count toward it. Last evaluated 2025-01-15.

Conditions:
Hereditary thrombocytopenia and hematological cancer predisposition syndrome associated with RUNX1. Also called: Familial Platelet Disorder with Propensity to Acute Myelogenous Leukemia; Familial thrombocytopenia with propensity to acute myelogenous leukemia; PLATELET DISORDER, ASPIRIN-LIKE; RUNX1 Familial Platelet Disorder with Associated Myeloid Malignancies. Identifiers: Orphanet 71290, MedGen C1832388, MeSH C563324, MONDO:0100083, OMIM 601399.
Hereditary thrombocytopenia and hematologic cancer predisposition syndrome. Identifiers: Orphanet 71290, MedGen CN281654, MONDO:0011071.

Submissions (2):

ClinGen Myeloid Malignancy Variant Curation Expert Panel
Classification: Uncertain significance for Hereditary thrombocytopenia and hematologic cancer predisposition syndrome. Last evaluated: 2025-01-15. Review status: reviewed by expert panel. Criteria: ClinGen MyeloMalig ACMG Specifications v2. Collection method: curation. Allele origin: germline. Inheritance: Autosomal dominant inheritance.
Comment: NM_001754.5(RUNX1):c.968-3C>A is an intronic variant which has a SpliceAI score ≤ 0.20 (0.14) (BP4). This variant is completely absent from all population databases with at least 20x coverage for RUNX1 (PM2_Supporting). In summary, the clinical significance of this variant is uncertain. ACMG/AMP criteria applied, as specified by the Myeloid Malignancy Variant Curation Expert Panel for RUNX1: BP4, PM2_supporting.

Labcorp Genetics (formerly Invitae), Labcorp
Classification: Uncertain significance for Hereditary thrombocytopenia and hematological cancer predisposition syndrome associated with RUNX1. Last evaluated: 2024-09-30. Review status: criteria provided, single submitter. Criteria: Invitae Variant Classification Sherloc (09022015). Collection method: clinical testing. Allele origin: germline. Not counted in ClinVar's aggregate classification.
Comment: This sequence change falls in intron 8 of the RUNX1 gene. It does not directly change the encoded amino acid sequence of the RUNX1 protein. It affects a nucleotide within the consensus splice site. This variant is not present in population databases (gnomAD no frequency). This variant has not been reported in the literature in individuals affected with RUNX1-related conditions. Variants that disrupt the consensus splice site are a relatively common cause of aberrant splicing (PMID: 17576681, 9536098). Algorithms developed to predict the effect of sequence changes on RNA splicing suggest that this variant is not likely to affect RNA splicing. In summary, the available evidence is currently insufficient to determine the role of this variant in disease. Therefore, it has been classified as a Variant of Uncertain Significance.

Literature cited by the submitters: PubMed 17576681 (cited by Labcorp Genetics (formerly Invitae), Labcorp); PubMed 9536098 (cited by Labcorp Genetics (formerly Invitae), Labcorp).